The following is an entry in ClinVar:

ClinVar aggregate classification (germline): Likely benign (1 of 4 stars; one submission).

Conditions:
Diabetes insipidus, nephrogenic, autosomal (NDI2). Also called: Diabetes insipidus, nephrogenic, 2, autosomal; Nephrogenic Diabetes Insipidus, Type II. Identifiers: Orphanet 223, MedGen C1563706, MONDO:0007451, OMIM 125800.

Allele frequency attached by ClinVar (database versions not stated): gnomAD 0.00001 and 0.00025; TOPMed 0.00006; gnomAD exomes 0.00035; 1000 Genomes Project 30x 0.00234; 1000 Genomes Project 0.00280.

Submission:

Illumina Laboratory Services, Illumina
Classification: Likely benign for Diabetes insipidus, nephrogenic, autosomal. Last evaluated: 2018-01-13. Review status: criteria provided, single submitter. Criteria: ICSL Variant Classification Criteria 13 December 2019. Collection method: clinical testing. Allele origin: germline.
Comment: This variant was observed in the ICSL laboratory as part of a predisposition screen in an ostensibly healthy population. It had not been previously curated by ICSL or reported in the Human Gene Mutation Database (HGMD: prior to June 1st, 2018), and was therefore a candidate for classification through an automated scoring system. Utilizing variant allele frequency, disease prevalence and penetrance estimates, and inheritance mode, an automated score was calculated to assess if this variant is too frequent to cause the disease. Based on the score and internal cut-off values, a variant classified as likely benign is not then subjected to further curation. The score for this variant resulted in a classification of likely benign for this disease.

NM_000486.6(AQP2):c.*108A>G

Genes: AQP2 (aquaporin 2; plus strand), AQP5-AS1 (AQP5 and AQP2 antisense RNA 2; minus strand). Cytogenetic location: 12q13.12.
Variant type: single nucleotide variant.
Coding change: c.*108A>G on transcript NM_000486.6 (MANE Select); 108 bases downstream of the stop codon, A replaced by G.
Molecular consequence: 3 prime UTR variant.
Genome position (GRCh38, 1-based): chr12:49,955,716, A>G. VCF-style: chr12-49955716-A-G. GRCh37 (hg19) VCF-style: chr12-50349499-A-G.
Identifiers: ClinVar variation 881002 (VCV000881002.4), dbSNP rs570014544, ClinGen allele CA236736178.
Genomic context (GRCh38, chr12:49,955,716, plus strand): 5'-AGGCAGAAGGGCCCACCCCGTCCCTCCTCTCCCGCAGGTCTGAAGTTGGCCCCCCAGCGC[A>G]GAGTAGCTGCTTCCTGGACGTGCGCGCCCAGGCCAGTGCTGTGAGCAGGCGGGGAGGAGG-3'